The following is an entry in ClinVar:

NM_001273.5(CHD4):c.2461T>G (p.Phe821Val)

Gene: CHD4 (chromodomain helicase DNA binding protein 4; minus strand). Cytogenetic location: 12p13.31.
Variant type: single nucleotide variant.
Coding change: c.2461T>G on transcript NM_001273.5 (MANE Select); coding-DNA position 2461, T replaced by G.
Protein change: p.Phe821Val; replaces phenylalanine 821 with valine.
Molecular consequence: missense variant.
Genome position (GRCh38, 1-based): chr12:6,593,469, A>C on the plus strand (T>G on the coding strand, the complement: CHD4 is on the minus strand). VCF-style: chr12-6593469-A-C. GRCh37 (hg19) VCF-style: chr12-6702635-A-C.
Other names: c.2440T>G, p.Phe814Val (NM_001297553.2); c.2422T>G, p.Phe808Val (NM_001363606.2); short protein forms F808V, F814V, F821V.
Identifiers: ClinVar variation 1710647 (VCV001710647.2), dbSNP rs2540399339, ClinGen allele CA383593084.

ClinVar aggregate classification (germline): Uncertain significance (1 of 4 stars; one submission).

Submission:

GeneDx
Classification: Uncertain significance. Last evaluated: 2022-04-12. Review status: criteria provided, single submitter. Criteria: GeneDx Variant Classification Process June 2021. Collection method: clinical testing. Allele origin: germline. Affected: yes.
Comment: Not observed at significant frequency in large population cohorts (gnomAD); In silico analysis supports that this missense variant has a deleterious effect on protein structure/function; Has not been previously published as pathogenic or benign to our knowledge